The following is an entry in ClinVar:

NM_032242.4(PLXNA1):c.2893C>T (p.Arg965Cys)

Genes: PLXNA1 (plexin A1; plus strand), LOC129937476 (ATAC-STARR-seq lymphoblastoid active region 20450; plus strand). Cytogenetic location: 3q21.3.
Variant type: single nucleotide variant.
Coding change: c.2893C>T on transcript NM_032242.4 (MANE Select); coding-DNA position 2893, C replaced by T.
Protein change: p.Arg965Cys; replaces arginine 965 with cysteine.
Molecular consequence: missense variant.
Genome position (GRCh38, 1-based): chr3:127,015,199, C>T. VCF-style: chr3-127015199-C-T. GRCh37 (hg19) VCF-style: chr3-126734042-C-T.
Other names: c.2893C>T (NM_032242.3); short protein forms R965C.
Identifiers: ClinVar variation 2672953 (VCV002672953.24), dbSNP rs375569981, ClinGen allele CA2593816.

ClinVar aggregate classification (germline): Uncertain significance. Review status: criteria provided, multiple submitters, no conflicts (2 of 4 stars). 2 submissions from 2 submitters: Uncertain significance (2). Last evaluated 2026-01-26.

Conditions:
PLXNA1-related disorder. Also called: PLXNA1-related condition.

Allele frequency attached by ClinVar (database versions not stated): gnomAD exomes below 0.00001; ExAC 0.00002; gnomAD 0.00003; TOPMed 0.00005; ESP Exome Variant Server 0.00015.
gnomAD v4.1: 11 of 1,612,446 alleles (0.00068%); highest among the groups gnomAD compares: Middle Eastern, 0.017%; no homozygotes.

Submissions (2):

PreventionGenetics, part of Exact Sciences
Classification: Uncertain significance for PLXNA1-related condition. Last evaluated: 2026-01-26. Review status: criteria provided, single submitter. Criteria: ACMG Guidelines, 2015. Collection method: clinical testing. Allele origin: germline.
Comment: The PLXNA1 c.2893C>T variant is predicted to result in the amino acid substitution p.Arg965Cys. To our knowledge, this variant has not been reported in the literature. This variant is reported in 0.0029% of alleles in individuals of Latino descent in gnomAD. At this time, the clinical significance of this variant is uncertain due to the absence of conclusive functional and genetic evidence.

CeGaT Center for Human Genetics Tuebingen
Classification: Uncertain significance. Last evaluated: 2023-11-01. Review status: criteria provided, single submitter. Criteria: CeGaT Center For Human Genetics Tuebingen Variant Classification Criteria Version 2. Collection method: clinical testing. Allele origin: germline. Affected: yes. Observed: 1 variant allele.
Comment: PLXNA1: PM2, PP3